The following is an entry in ClinVar:

NM_002480.3(PPP1R12A):c.125C>T (p.Ala42Val)

Genes: PPP1R12A (protein phosphatase 1 regulatory subunit 12A; minus strand), LOC112163633 (Sharpr-MPRA regulatory region 5962; plus strand). Cytogenetic location: 12q21.31.
Variant type: single nucleotide variant.
Coding change: c.125C>T on transcript NM_002480.3 (MANE Select); coding-DNA position 125, C replaced by T.
Protein change: p.Ala42Val; replaces alanine 42 with valine.
Molecular consequence: missense variant.
Genome position (GRCh38, 1-based): chr12:79,934,807, G>A on the plus strand (C>T on the coding strand, the complement: PPP1R12A is on the minus strand). VCF-style: chr12-79934807-G-A. GRCh37 (hg19) VCF-style: chr12-80328587-G-A.
Other names: c.125C>T, p.Ala42Val (NM_001143885.2, NM_001244990.2, NM_001244992.1); c.125C>T (NM_002480.2); short protein forms A42V.
Identifiers: ClinVar variation 3768411 (VCV003768411.2).
Genomic context (GRCh38, chr12:79,934,807, plus strand): 5'-CGGTGCAGCAGCTTGAGGACCTCGTCCGTGTCGCCGCTGGAGCAAGCAGCCAGGAAGACG[G>A]CGCCATCGTCGAACTTCACCTTGGTCTTCTGGCGCTTCACCACCGGAGGCTCGAGGTCCG-3'
Protein context (NP_002471.1, residues 32-52): QKTKVKFDDG[Ala42Val]VFLAACSSGD

ClinVar aggregate classification (germline): Uncertain significance. Review status: criteria provided, multiple submitters, no conflicts (2 of 4 stars). 2 submissions from 2 submitters: Uncertain significance (2). Last evaluated 2025-09-25.

Conditions:
Inborn genetic diseases. Identifiers: MedGen C0950123, MeSH D030342.

Submissions (2):

Ambry Genetics
Classification: Uncertain significance for Inborn genetic diseases. Last evaluated: 2025-09-25. Review status: criteria provided, single submitter. Criteria: Ambry Variant Classification Scheme 2023. Collection method: clinical testing. Allele origin: germline.

Women's Health and Genetics/Laboratory Corporation of America, LabCorp
Classification: Uncertain significance. Last evaluated: 2024-12-26. Review status: criteria provided, single submitter. Criteria: LabCorp Variant Classification Summary - May 2015. Collection method: clinical testing. Allele origin: germline.
Comment: Variant summary: PPP1R12A c.125C>T (p.Ala42Val) results in a non-conservative amino acid change located in the ankyrin repeats (IPR002110) of the encoded protein sequence. Four of five in-silico tools predict a damaging effect of the variant on protein function. The variant was absent in 213016 control chromosomes. The available data on variant occurrences in the general population are insufficient to allow any conclusion about variant significance. To our knowledge, no occurrence of c.125C>T in individuals affected with Genitourinary And/or Brain Malformation Syndrome and no experimental evidence demonstrating its impact on protein function have been reported. No submitters have cited clinical-significance assessments for this variant to ClinVar. Based on the evidence outlined above, the variant was classified as uncertain significance.